The following is an entry in ClinVar:

ClinVar aggregate classification (germline): Uncertain significance (1 of 4 stars; one submission).

Allele frequency attached by ClinVar (database versions not stated): gnomAD exomes below 0.00001; gnomAD 0.00001.
gnomAD v4.1: 4 of 1,613,826 alleles (0.00025%); highest among the groups gnomAD compares: African/African-American, 0.0053%; no homozygotes.

Submission:

Labcorp Genetics (formerly Invitae), Labcorp
Classification: Uncertain significance. Last evaluated: 2025-06-12. Review status: criteria provided, single submitter. Criteria: Invitae Variant Classification Sherloc (09022015). Collection method: clinical testing. Allele origin: germline.
Comment: This sequence change replaces isoleucine, which is neutral and non-polar, with asparagine, which is neutral and polar, at codon 1015 of the FREM1 protein (p.Ile1015Asn). This variant is not present in population databases (gnomAD no frequency). This variant has not been reported in the literature in individuals affected with FREM1-related conditions. ClinVar contains an entry for this variant (Variation ID: 2101524). Invitae Evidence Modeling of protein sequence and biophysical properties (such as structural, functional, and spatial information, amino acid conservation, physicochemical variation, residue mobility, and thermodynamic stability) indicates that this missense variant is expected to disrupt FREM1 protein function with a positive predictive value of 80%. In summary, the available evidence is currently insufficient to determine the role of this variant in disease. Therefore, it has been classified as a Variant of Uncertain Significance.

NM_001379081.2(FREM1):c.3044T>A (p.Ile1015Asn)

Gene: FREM1 (FRAS1 related extracellular matrix 1; minus strand). Cytogenetic location: 9p22.3.
Variant type: single nucleotide variant.
Coding change: c.3044T>A on transcript NM_001379081.2 (MANE Select); coding-DNA position 3044, T replaced by A.
Protein change: p.Ile1015Asn; replaces isoleucine 1015 with asparagine.
Molecular consequence: missense variant. On other transcripts: non-coding transcript variant (2).
Genome position (GRCh38, 1-based): chr9:14,807,984, A>T on the plus strand (T>A on the coding strand, the complement: FREM1 is on the minus strand). VCF-style: chr9-14807984-A-T. GRCh37 (hg19) VCF-style: chr9-14807982-A-T.
Other names: c.3044T>A, p.Ile1015Asn (NM_144966.7); short protein forms I1015N.
Identifiers: ClinVar variation 2101524 (VCV002101524.4), dbSNP rs922313174, ClinGen allele CA189340105.